The following is an entry in ClinVar:

NM_016239.4(MYO15A):c.7247T>A (p.Met2416Lys)

Gene: MYO15A (myosin XVA; plus strand). Cytogenetic location: 17p11.2.
Variant type: single nucleotide variant.
Coding change: c.7247T>A on transcript NM_016239.4 (MANE Select); coding-DNA position 7247, T replaced by A.
Protein change: p.Met2416Lys; replaces methionine 2416 with lysine.
Molecular consequence: missense variant.
Genome position (GRCh38, 1-based): chr17:18,150,463, T>A. VCF-style: chr17-18150463-T-A. GRCh37 (hg19) VCF-style: chr17-18053777-T-A.
Other names: short protein forms M2416K.
Identifiers: ClinVar variation 3161183 (VCV003161183.3), dbSNP rs373516911, ClinGen allele CA8424786.

ClinVar aggregate classification (germline): Uncertain significance. Review status: criteria provided, multiple submitters, no conflicts (2 of 4 stars). 3 submissions from 3 submitters: Uncertain significance (3). Last evaluated 2025-03-27.

Conditions:
Inborn genetic diseases. Identifiers: MedGen C0950123, MeSH D030342.

Allele frequency attached by ClinVar (database versions not stated): ExAC 0.00002; ESP Exome Variant Server 0.00016.
gnomAD v4.1: 33 of 1,613,796 alleles (0.002%); highest among the groups gnomAD compares: Admixed American, 0.005%; no homozygotes.

Submissions (3):

GeneDx
Classification: Uncertain significance. Last evaluated: 2025-03-27. Review status: criteria provided, single submitter. Criteria: GeneDx Variant Classification Process June 2021. Collection method: clinical testing. Allele origin: germline. Affected: yes.
Comment: In silico analysis supports that this missense variant has a deleterious effect on protein structure/function; Has not been previously published as pathogenic or benign to our knowledge

Blueprint Genetics
Classification: Uncertain significance. Last evaluated: 2024-11-21. Review status: criteria provided, single submitter. Criteria: ACMG Guidelines, 2015. Collection method: clinical testing. Allele origin: germline.

Ambry Genetics
Classification: Uncertain significance for Inborn genetic diseases. Last evaluated: 2023-09-26. Review status: criteria provided, single submitter. Criteria: Ambry Variant Classification Scheme 2023. Collection method: clinical testing. Allele origin: germline.